The following is an entry in ClinVar:

ClinVar aggregate classification (germline): Pathogenic/Likely pathogenic. Review status: criteria provided, multiple submitters, no conflicts (2 of 4 stars). 2 submissions from 2 submitters: Pathogenic (1); Likely pathogenic (1). Last evaluated 2023-06-15.

Conditions:
Curry-Hall syndrome (WAD). Also called: WEYERS ACRODENTAL DYSOSTOSIS. Identifiers: Orphanet 952, MedGen C0457013, MONDO:0008673, OMIM 193530.
Ellis-van Creveld syndrome (EVC). Also called: MESOECTODERMAL DYSPLASIA; EVC-Related Ellis-van Creveld Syndrome; EVC2-Related Ellis-van Creveld Syndrome; Chondroectodermal dysplasia. Identifiers: Orphanet 289, MedGen C0013903, MONDO:0009162, OMIM 225500.

Allele frequency attached by ClinVar (database versions not stated): gnomAD exomes below 0.00001.

Submissions (2):

Labcorp Genetics (formerly Invitae), Labcorp
Classification: Pathogenic for Curry-Hall syndrome; Ellis-van Creveld syndrome. Last evaluated: 2023-06-15. Review status: criteria provided, single submitter. Criteria: Invitae Variant Classification Sherloc (09022015). Collection method: clinical testing. Allele origin: germline.
Comment: This sequence change creates a premature translational stop signal (p.Arg274Asnfs*3) in the EVC2 gene. It is expected to result in an absent or disrupted protein product. Loss-of-function variants in EVC2 are known to be pathogenic (PMID: 17024374, 19810119, 19876929). For these reasons, this variant has been classified as Pathogenic. Algorithms developed to predict the effect of sequence changes on RNA splicing suggest that this variant may disrupt the consensus splice site. ClinVar contains an entry for this variant (Variation ID: 950483). This variant has not been reported in the literature in individuals affected with EVC2-related conditions. This variant is present in population databases (no rsID available, gnomAD 0.003%).

Fulgent Genetics
Classification: Likely pathogenic for Curry-Hall syndrome; Ellis-van Creveld syndrome. Last evaluated: 2021-12-16. Review status: criteria provided, single submitter. Criteria: ACMG Guidelines, 2015. Collection method: clinical testing. Allele origin: unknown.

Literature cited by the submitters: PubMed 17024374 (cited by Labcorp Genetics (formerly Invitae), Labcorp); PubMed 19810119 (cited by Labcorp Genetics (formerly Invitae), Labcorp); PubMed 19876929 (cited by Labcorp Genetics (formerly Invitae), Labcorp).

NM_147127.5(EVC2):c.821_824del (p.Arg274fs)

Gene: EVC2 (EvC ciliary complex subunit 2; minus strand). Cytogenetic location: 4p16.2.
Variant type: Deletion.
Coding change: c.821_824del on transcript NM_147127.5 (MANE Select); coding-DNA positions 821 to 824, 4 bases deleted (GAAC; older notation c.821_824delGAAC).
Protein change: p.Arg274fs; shifts the reading frame from arginine 274.
Molecular consequence: frameshift variant.
Genome position (GRCh38, 1-based): chr4:5,681,306-5,681,309, GTTC deleted on the plus strand (GAAC on the coding strand, the reverse complement: EVC2 is on the minus strand). VCF-style (leftmost placement, unchanged base first): chr4-5681305-TGTTC-T. GRCh37 (hg19) VCF-style: chr4-5683032-TGTTC-T.
Other names: c.581_584del, p.Arg194fs (NM_001166136.2); short protein forms R274fs, R194fs.
Identifiers: ClinVar variation 950483 (VCV000950483.9), dbSNP rs1368193719, ClinGen allele CA549397113.